The following is an entry in ClinVar:

NM_001031.5(RPS28):c.202T>C (p.Leu68=)

Gene: RPS28 (ribosomal protein S28; plus strand). Cytogenetic location: 19p13.2.
Variant type: single nucleotide variant.
Coding change: c.202T>C on transcript NM_001031.5 (MANE Select); coding-DNA position 202, T replaced by C.
Protein change: p.Leu68=; no amino-acid change (leucine 68 retained).
Molecular consequence: synonymous variant.
Genome position (GRCh38, 1-based): chr19:8,322,067, T>C. VCF-style: chr19-8322067-T-C. GRCh37 (hg19) VCF-style: chr19-8386951-T-C.
Identifiers: ClinVar variation 2649195 (VCV002649195.24), dbSNP rs2512627457, ClinGen allele CA505259686.
Genomic context (GRCh38, chr19:8,322,067, plus strand): 5'-GGCCCCGTGCGCGAGGGCGACGTGCTCACCCTTTTGGAGTCAGAGCGAGAAGCCCGGAGG[T>C]TGCGCTGAGCTTGGCTGCTCGCTGGTGGGTGCAAAGAGGACACCCCTTTGATAGACCTTT-3'
Protein context (NP_001022.1, residues 58-69): LLESEREARR[Leu68=]R

ClinVar aggregate classification (germline): Likely benign (1 of 4 stars; one submission).

Submission:

CeGaT Center for Human Genetics Tuebingen
Classification: Likely benign. Last evaluated: 2022-09-01. Review status: criteria provided, single submitter. Criteria: CeGaT Center For Human Genetics Tuebingen Variant Classification Criteria Version 2. Collection method: clinical testing. Allele origin: germline. Affected: yes. Observed: 1 variant allele.
Comment: RPS28: PM2:Supporting, BP4, BP7